The following is an entry in ClinVar:

NM_007254.4(PNKP):c.721G>T (p.Glu241Ter)

Gene: PNKP (polynucleotide kinase 3'-phosphatase; minus strand). Cytogenetic location: 19q13.33.
Variant type: single nucleotide variant.
Coding change: c.721G>T on transcript NM_007254.4 (MANE Select); coding-DNA position 721, G replaced by T.
Protein change: p.Glu241Ter; replaces glutamic acid 241 with a stop codon.
Molecular consequence: nonsense.
Genome position (GRCh38, 1-based): chr19:49,863,987, C>A on the plus strand (G>T on the coding strand, the complement: PNKP is on the minus strand). VCF-style: chr19-49863987-C-A. GRCh37 (hg19) VCF-style: chr19-50367244-C-A.
Other names: c.721G>T (NM_007254.3); short protein forms E241*.
Identifiers: ClinVar variation 1453676 (VCV001453676.10), dbSNP rs982113263, ClinGen allele CA309496650.
Genomic context (GRCh38, chr19:49,863,987, plus strand): 5'-GCCCCCACATAGCTCCCAGCCTCCCTTCCAGCCATACCTGGAAGGGGACCCCCAGCTTCT[C>A]CACCACAGCCTCCACCTTGGCCTTGAACTCCTCGGCTGGCAGCTTCCCGCGCCCGATGCT-3'

ClinVar aggregate classification (germline): Pathogenic/Likely pathogenic. Review status: criteria provided, multiple submitters, no conflicts (2 of 4 stars). 4 submissions from 4 submitters: Pathogenic (2); Likely pathogenic (2). Last evaluated 2025-12-17.

Conditions:
Ataxia - oculomotor apraxia type 4. Identifiers: Orphanet 459033, MedGen C4225397, MONDO:0014557, OMIM 616267.
Microcephaly, seizures, and developmental delay. Identifiers: Orphanet 1934, MedGen C3150667, MONDO:0013254, OMIM 613402.
Charcot-Marie-Tooth disease type 2B2 (CMT2B2). Also called: CHARCOT-MARIE-TOOTH DISEASE, AXONAL, TYPE 2B2; CHARCOT-MARIE-TOOTH DISEASE, NEURONAL, TYPE 2B2; Charcot-Marie-Tooth Neuropathy Type 2B2; CHARCOT-MARIE-TOOTH DISEASE, AXONAL, AUTOSOMAL RECESSIVE, TYPE 2B2. Identifiers: Orphanet 101101, MedGen C1854150, MONDO:0011570, OMIM 605589.
PNKP-related disorder. Also called: PNKP-related condition; PNKP-related disorders.
Developmental and epileptic encephalopathy, 12 (DEE12). Identifiers: MedGen C3150988, MONDO:0013389, OMIM 613722.

Allele frequency attached by ClinVar (database versions not stated): gnomAD exomes below 0.00001; TOPMed below 0.00001.

Submissions (4):

PreventionGenetics, part of Exact Sciences
Classification: Likely pathogenic for PNKP-related condition. Last evaluated: 2025-12-17. Review status: criteria provided, single submitter. Criteria: ACMG Guidelines, 2015. Collection method: clinical testing. Allele origin: germline.
Comment: The PNKP c.721G>T variant is predicted to result in premature protein termination (p.Glu241*). To our knowledge, this variant has not been previously reported in the literature in association with disease. This variant is reported in 0.00088% of alleles in individuals of European (Non-Finnish) descent in gnomAD. Nonsense variants in PNKP are expected to be pathogenic. This variant is interpreted as likely pathogenic.

Women's Health and Genetics/Laboratory Corporation of America, LabCorp
Classification: Pathogenic for PNKP-Related Disorders. Last evaluated: 2024-03-11. Review status: criteria provided, single submitter. Criteria: LabCorp Variant Classification Summary - May 2015. Collection method: clinical testing. Allele origin: germline.
Comment: Variant summary: PNKP c.721G>T (p.Glu241X) results in a premature termination codon, predicted to cause absence of the protein due to nonsense mediated decay, which is a commonly known mechanism for disease. The variant allele was found at a frequency of 4e-06 in 250932 control chromosomes (gnomAD). To our knowledge, no occurrence of c.721G>T in individuals affected with PNKP-Related Disorders and no experimental evidence demonstrating its impact on protein function have been reported. ClinVar contains an entry for this variant (Variation ID: 1453676). Based on the evidence outlined above, the variant was classified as pathogenic.

Labcorp Genetics (formerly Invitae), Labcorp
Classification: Pathogenic for Developmental and epileptic encephalopathy, 12. Last evaluated: 2023-05-30. Review status: criteria provided, single submitter. Criteria: Invitae Variant Classification Sherloc (09022015). Collection method: clinical testing. Allele origin: germline.
Comment: For these reasons, this variant has been classified as Pathogenic. Algorithms developed to predict the effect of sequence changes on RNA splicing suggest that this variant may create or strengthen a splice site. ClinVar contains an entry for this variant (Variation ID: 1453676). This variant has not been reported in the literature in individuals affected with PNKP-related conditions. The frequency data for this variant in the population databases is considered unreliable, as metrics indicate poor data quality at this position in the gnomAD database. This sequence change creates a premature translational stop signal (p.Glu241*) in the PNKP gene. It is expected to result in an absent or disrupted protein product. Loss-of-function variants in PNKP are known to be pathogenic (PMID: 20118933, 25728773).

Fulgent Genetics
Classification: Likely pathogenic for Charcot-Marie-Tooth disease type 2B2; Microcephaly, seizures, and developmental delay; Ataxia - oculomotor apraxia type 4. Last evaluated: 2022-03-03. Review status: criteria provided, single submitter. Criteria: ACMG Guidelines, 2015. Collection method: clinical testing. Allele origin: unknown.

Literature cited by the submitters: PubMed 20118933 (cited by Labcorp Genetics (formerly Invitae), Labcorp); PubMed 25728773 (cited by Labcorp Genetics (formerly Invitae), Labcorp).